The following is an entry in ClinVar:

NM_004646.4(NPHS1):c.1192T>C (p.Ser398Pro)

Gene: NPHS1 (NPHS1 adhesion molecule, nephrin; minus strand). Cytogenetic location: 19q13.12.
Variant type: single nucleotide variant.
Coding change: c.1192T>C on transcript NM_004646.4 (MANE Select); coding-DNA position 1192, T replaced by C.
Protein change: p.Ser398Pro; replaces serine 398 with proline.
Molecular consequence: missense variant.
Genome position (GRCh38, 1-based): chr19:35,848,376, A>G on the plus strand (T>C on the coding strand, the complement: NPHS1 is on the minus strand). VCF-style: chr19-35848376-A-G. GRCh37 (hg19) VCF-style: chr19-36339278-A-G.
Other names: short protein forms S398P.
Identifiers: ClinVar variation 3768740 (VCV003768740.1).

ClinVar aggregate classification (germline): Uncertain significance (1 of 4 stars; one submission).

gnomAD v4.1: 14 of 1,614,092 alleles (0.00087%); highest among the groups gnomAD compares: Non-Finnish European, 0.0012%; no homozygotes.

Submission:

Women's Health and Genetics/Laboratory Corporation of America, LabCorp
Classification: Uncertain significance. Last evaluated: 2025-02-05. Review status: criteria provided, single submitter. Criteria: LabCorp Variant Classification Summary - May 2015. Collection method: clinical testing. Allele origin: germline.
Comment: Variant summary: NPHS1 c.1192T>C (p.Ser398Pro) results in a non-conservative amino acid change in the encoded protein sequence. Five of five in-silico tools predict a damaging effect of the variant on protein function. The variant was absent in 251400 control chromosomes. The available data on variant occurrences in the general population are insufficient to allow any conclusion about variant significance. c.1192T>C has been reported in the literature in at-least one individual affected with Nephrotic Syndrome (example: Machuca_2010). These report(s) do not provide unequivocal conclusions about association of the variant with Nephrotic Syndrome, Type 1. To our knowledge, no experimental evidence demonstrating an impact on protein function has been reported. The following publication has been ascertained in the context of this evaluation (PMID: 20507940). No submitters have cited clinical-significance assessments for this variant to ClinVar. Based on the evidence outlined above, the variant was classified as uncertain significance.

Literature cited by the submitters: PubMed 20507940.